The following is an entry in ClinVar:

ClinVar aggregate classification (germline): Pathogenic (1 of 4 stars; one submission).

Conditions:
Leber congenital amaurosis 9 (LCA9). Also called: LCA9 Leber Congenital Amaurosis; LCA 9; Amaurosis congenita of Leber, type 9. Identifiers: Orphanet 65, MedGen C1837873, MONDO:0012056, OMIM 608553.

Submission:

Labcorp Genetics (formerly Invitae), Labcorp
Classification: Pathogenic for Leber congenital amaurosis 9. Last evaluated: 2024-02-24. Review status: criteria provided, single submitter. Criteria: Invitae Variant Classification Sherloc (09022015). Collection method: clinical testing. Allele origin: germline.
Comment: This sequence change creates a premature translational stop signal (p.Ala157Glnfs*57) in the NMNAT1 gene. While this is not anticipated to result in nonsense mediated decay, it is expected to disrupt the last 123 amino acid(s) of the NMNAT1 protein. This variant is not present in population databases (gnomAD no frequency). This variant has not been reported in the literature in individuals affected with NMNAT1-related conditions. ClinVar contains an entry for this variant (Variation ID: 1437729). This variant disrupts a region of the NMNAT1 protein in which other variant(s) (p.Glu257Lys) have been determined to be pathogenic (PMID: 22842229, 22842230, 22842231, 24940029). This suggests that this is a clinically significant region of the protein, and that variants that disrupt it are likely to be disease-causing. For these reasons, this variant has been classified as Pathogenic.

Literature cited by the submitters: PubMed 22842229; PubMed 22842230; PubMed 22842231; PubMed 24940029.

NM_022787.4(NMNAT1):c.469del (p.Ala157fs)

Gene: NMNAT1 (nicotinamide nucleotide adenylyltransferase 1; plus strand). Cytogenetic location: 1p36.22.
Variant type: Deletion.
Coding change: c.469del on transcript NM_022787.4 (MANE Select); coding-DNA position 469, one base deleted (G; older notation c.469delG).
Protein change: p.Ala157fs; shifts the reading frame from alanine 157.
Molecular consequence: frameshift variant.
Genome position (GRCh38, 1-based): chr1:9,982,330, G deleted; the last of 4 consecutive G bases (chr1:9,982,327-9,982,330); deleting any one gives the same sequence. VCF-style (leftmost placement, unchanged base first): chr1-9982326-TG-T. GRCh37 (hg19) VCF-style: chr1-10042384-TG-T.
Other names: c.469del, p.Ala157fs (NM_001297778.1); short protein forms A157fs.
Identifiers: ClinVar variation 1437729 (VCV001437729.6), dbSNP rs1641966566, ClinGen allele CA1153053209.
Genomic context (GRCh38, chr1:9,982,326, plus strand): 5'-AAGCATACCCCAAAGCTCTGTTTTATTCTTCCCAGCTGTGCCAAAGGTCAAGCTGCTGTG[TG>T]GGGCAGATTTATTGGAGTCCTTTGCTGTTCCCAATTTGTGGAAGAGTGAAGACATCACCC-3'